The following is an entry in ClinVar:

NM_033028.5(BBS4):c.406-2A>C

Gene: BBS4 (Bardet-Biedl syndrome 4; plus strand). Cytogenetic location: 15q24.1.
Variant type: single nucleotide variant.
Coding change: c.406-2A>C on transcript NM_033028.5 (MANE Select); the canonical splice acceptor site of the intron before coding-DNA position 406, A replaced by C.
Molecular consequence: splice acceptor variant. On other transcripts: 5 prime UTR variant (1).
Genome position (GRCh38, 1-based): chr15:72,722,792, A>C. VCF-style: chr15-72722792-A-C. GRCh37 (hg19) VCF-style: chr15-73015133-A-C.
Other names: NM_033028.3:IVS6-2A>C; c.-113A>C (NM_001252678.2); c.406-2A>C (NM_001320665.2).
Identifiers: ClinVar variation 21730 (VCV000021730.4), dbSNP rs113994191, ClinGen allele CA342423.

ClinVar aggregate classification (germline): Pathogenic. Review status: criteria provided, single submitter (1 of 4 stars). 2 submissions from 2 submitters: Pathogenic (1). 1 of the submissions does not count toward it. Last evaluated 2024-01-01.

Conditions:
Bardet-Biedl syndrome (BBS). Identifiers: Orphanet 110, MedGen C0752166, MONDO:0015229.
Bardet-Biedl syndrome 4 (BBS4). Identifiers: Orphanet 110, MedGen C2936864, MONDO:0014433, OMIM 615982.

Submissions (2):

Daryl Scott Lab, Baylor College of Medicine
Classification: Pathogenic for Bardet-Biedl syndrome 4. Last evaluated: 2024-01-01. Review status: criteria provided, single submitter. Criteria: ACMG Guidelines, 2015. Collection method: clinical testing. Allele origin: paternal. Observed: 1 heterozygote.
Comment: PVS1, PS2, PM2

GeneReviews
Classification: Pathogenic for Bardet-Biedl Syndrome. Last evaluated: 2009-10-13. Review status: no assertion criteria provided. Collection method: curation. Allele origin: unknown. Not counted in ClinVar's aggregate classification.
ClinVar note: Converted during submission from pathologic to Pathogenic.